The following is an entry in ClinVar:

ClinVar aggregate classification (germline): Likely pathogenic (0 of 4 stars; one submission).

Conditions:
Endometrial carcinoma. Also called: Endometrial carcinoma, somatic. Identifiers: MedGen C0476089, MONDO:0002447, OMIM 608089, HP:0012114.

Submission:

Solve-RD Consortium
Classification: Likely pathogenic for Endometrial carcinoma. Last evaluated: 2024-06-01. Review status: no assertion criteria provided. Collection method: provider interpretation. Allele origin: germline. Affected: yes.
Comment: This CNV was confirmed by the submitting clinician to impact a gene that corresponds with the phenotype of the affected individual, and thus deemed to be causative for their condition.

Literature cited by the submitters: PubMed 39825153.

GRCh37/hg19 16q22.1(chr16:68846035-68961985)x1

Genes: CDH1 (cadherin 1; plus strand), TANGO6 (transport and golgi organization 6 homolog; plus strand). Cytogenetic location: 16q22.1.
Variant type: copy number loss.
Change: copy number 1 (one copy instead of two) of chr16:68,846,035-68,961,985 (116.0 kb, GRCh37 coordinates, 1-based), cytogenetic band 16q22.1.
Identifiers: ClinVar variation 3338431 (VCV003338431.1).